The following is an entry in ClinVar:

ClinVar aggregate classification (germline): Uncertain significance (1 of 4 stars; one submission).

Conditions:
Spongy degeneration of central nervous system. Also called: ACY2 DEFICIENCY; AMINOACYLASE 2 DEFICIENCY; ASP DEFICIENCY; ASPA DEFICIENCY; ASPARTOACYLASE DEFICIENCY; CANAVAN-VAN BOGAERT-BERTRAND DISEASE. Identifiers: Orphanet 141, MedGen C0206307, MONDO:0010079, OMIM 271900.

Allele frequency attached by ClinVar (database versions not stated): TOPMed 0.00005; gnomAD exomes 0.00002; ESP Exome Variant Server 0.00008.
gnomAD v4.1: 31 of 1,612,726 alleles (0.0019%); highest among the groups gnomAD compares: South Asian, 0.016%; no homozygotes.

Submission:

Labcorp Genetics (formerly Invitae), Labcorp
Classification: Uncertain significance for Spongy degeneration of central nervous system. Last evaluated: 2022-10-13. Review status: criteria provided, single submitter. Criteria: Invitae Variant Classification Sherloc (09022015). Collection method: clinical testing. Allele origin: germline.
Comment: This sequence change replaces arginine, which is basic and polar, with tryptophan, which is neutral and slightly polar, at codon 233 of the ASPA protein (p.Arg233Trp). This variant is present in population databases (rs367957948, gnomAD 0.01%). This variant has not been reported in the literature in individuals affected with ASPA-related conditions. ClinVar contains an entry for this variant (Variation ID: 1441556). Advanced modeling of protein sequence and biophysical properties (such as structural, functional, and spatial information, amino acid conservation, physicochemical variation, residue mobility, and thermodynamic stability) performed at Invitae indicates that this missense variant is expected to disrupt ASPA protein function. In summary, the available evidence is currently insufficient to determine the role of this variant in disease. Therefore, it has been classified as a Variant of Uncertain Significance.

NM_000049.4(ASPA):c.697C>T (p.Arg233Trp)

Genes: ASPA (aspartoacylase; plus strand), SPATA22 (spermatogenesis associated 22; minus strand). Cytogenetic location: 17p13.2.
Variant type: single nucleotide variant.
Coding change: c.697C>T on transcript NM_000049.4 (MANE Select); coding-DNA position 697, C replaced by T.
Protein change: p.Arg233Trp; replaces arginine 233 with tryptophan.
Molecular consequence: missense variant. On other transcripts: intron variant (2).
Genome position (GRCh38, 1-based): chr17:3,494,412, C>T. VCF-style: chr17-3494412-C-T. GRCh37 (hg19) VCF-style: chr17-3397706-C-T.
Other names: c.697C>T, p.Arg233Trp (NM_001128085.1); c.-74+19000G>A (NM_001321336.2, NM_001321337.2); short protein forms R233W.
Identifiers: ClinVar variation 1441556 (VCV001441556.6), dbSNP rs367957948, ClinGen allele CA8289012.
Genomic context (GRCh38, chr17:3,494,412, plus strand): 5'-AAAGAATTTCCTCCCTGCGCCATTGAGGTCTATAAAATTATAGAGAAAGTTGATTACCCC[C>T]GGGATGAAAATGGAGAAATTGCTGCTATCATCCATCCTAATCTGCAGGTAACATTTGTTC-3'
Protein context (NP_000040.1, residues 223-243): YKIIEKVDYP[Arg233Trp]DENGEIAAII